The following is an entry in ClinVar:

NM_001080453.3(INTS1):c.492C>T (p.Leu164=)

Gene: INTS1 (integrator complex subunit 1; minus strand). Cytogenetic location: 7p22.3.
Variant type: single nucleotide variant.
Coding change: c.492C>T on transcript NM_001080453.3 (MANE Select); coding-DNA position 492, C replaced by T.
Protein change: p.Leu164=; no amino-acid change (leucine 164 retained).
Molecular consequence: synonymous variant.
Genome position (GRCh38, 1-based): chr7:1,500,224, G>A on the plus strand (C>T on the coding strand, the complement: INTS1 is on the minus strand). VCF-style: chr7-1500224-G-A. GRCh37 (hg19) VCF-style: chr7-1539860-G-A.
Identifiers: ClinVar variation 3067732 (VCV003067732.21), dbSNP rs2483389585, ClinGen allele CA453622659.
Genomic context (GRCh38, chr7:1,500,224, plus strand): 5'-TCAAACCTCAATGACGCCCTCAGTGGCGAAGATGTTGGGCTTGATCTTGGCCAGGTACAT[G>A]AGGCTCAGGTAGAGGGTGCTGTCAGGCTTGGCGCGGGTGACCTTCAGCTGCTTCACGGCC-3'
Protein context (NP_001073922.2, residues 154-174): AKPDSTLYLS[Leu164=]MYLAKIKPNI

ClinVar aggregate classification (germline): Likely benign (1 of 4 stars; one submission).

Allele frequency attached by ClinVar (database versions not stated): gnomAD exomes below 0.00001.

Submission:

CeGaT Center for Human Genetics Tuebingen
Classification: Likely benign. Last evaluated: 2024-03-01. Review status: criteria provided, single submitter. Criteria: CeGaT Center For Human Genetics Tuebingen Variant Classification Criteria Version 2. Collection method: clinical testing. Allele origin: germline. Affected: yes. Observed: 1 variant allele.
Comment: INTS1: PM2:Supporting, BP4, BP7